The following is an entry in ClinVar:

ClinVar aggregate classification (germline): Uncertain significance. Review status: criteria provided, multiple submitters, no conflicts (2 of 4 stars). 2 submissions from 2 submitters: Uncertain significance (2). Last evaluated 2025-08-12.

Conditions:
Hereditary cancer-predisposing syndrome. Also called: Neoplastic Syndromes, Hereditary; Tumor predisposition; Hereditary neoplastic syndrome; Hereditary Cancer Syndrome. Identifiers: Orphanet 140162, MedGen C0027672, MeSH D009386, MONDO:0015356.

Allele frequency attached by ClinVar (database versions not stated): gnomAD 0.00001.
gnomAD v4.1: 3 of 1,565,742 alleles (0.00019%); highest among the groups gnomAD compares: Admixed American, 0.0036%; no homozygotes.

Submissions (2):

GeneDx
Classification: Uncertain significance. Last evaluated: 2025-08-12. Review status: criteria provided, single submitter. Criteria: GeneDx Variant Classification Process June 2021. Collection method: clinical testing. Allele origin: germline. Affected: yes.
Comment: Not observed at significant frequency in large population cohorts (gnomAD); In silico analysis supports that this missense variant has a deleterious effect on protein structure/function; Has not been previously published as pathogenic or benign to our knowledge; This variant is associated with the following publications: (PMID: 23516486)

Ambry Genetics
Classification: Uncertain significance for Hereditary cancer-predisposing syndrome. Last evaluated: 2022-12-25. Review status: criteria provided, single submitter. Criteria: Ambry Variant Classification Scheme 2023. Collection method: clinical testing. Allele origin: germline.
Comment: The p.P298L variant (also known as c.893C>T), located in coding exon 9 of the RB1 gene, results from a C to T substitution at nucleotide position 893. The proline at codon 298 is replaced by leucine, an amino acid with similar properties. This amino acid position is conserved. In addition, the in silico prediction for this alteration is inconclusive. Since supporting evidence is limited at this time, the clinical significance of this alteration remains unclear.

NM_000321.3(RB1):c.893C>T (p.Pro298Leu)

Gene: RB1 (RB transcriptional corepressor 1; plus strand). Cytogenetic location: 13q14.2.
Variant type: single nucleotide variant.
Coding change: c.893C>T on transcript NM_000321.3 (MANE Select); coding-DNA position 893, C replaced by T.
Protein change: p.Pro298Leu; replaces proline 298 with leucine.
Molecular consequence: missense variant.
Genome position (GRCh38, 1-based): chr13:48,364,925, C>T. VCF-style: chr13-48364925-C-T. GRCh37 (hg19) VCF-style: chr13-48939061-C-T.
Other names: c.893C>T, p.Pro298Leu (NM_001407165.1, NM_001407166.1); short protein forms P298L.
Identifiers: ClinVar variation 2450508 (VCV002450508.3), dbSNP rs759675910, ClinGen allele CA388159950.